The following is an entry in ClinVar:

ClinVar aggregate classification (germline): Uncertain significance. Review status: criteria provided, multiple submitters, no conflicts (2 of 4 stars). 2 submissions from 2 submitters: Uncertain significance (2). Last evaluated 2025-08-15.

Conditions:
Inborn genetic diseases. Identifiers: MedGen C0950123, MeSH D030342.
Joubert syndrome 20 (JBTS20). Identifiers: Orphanet 475, MedGen C3554235, MONDO:0013994, OMIM 614970.
Meckel syndrome, type 11 (MKS11). Identifiers: Orphanet 564, MedGen C3809352, MONDO:0014164, OMIM 615397.

Allele frequency attached by ClinVar (database versions not stated): ExAC 0.00002; gnomAD exomes 0.00002; TOPMed 0.00003; gnomAD 0.00004.

Submissions (2):

Ambry Genetics
Classification: Uncertain significance for Inborn genetic diseases. Last evaluated: 2025-08-15. Review status: criteria provided, single submitter. Criteria: Ambry Variant Classification Scheme 2023. Collection method: clinical testing. Allele origin: germline.

Labcorp Genetics (formerly Invitae), Labcorp
Classification: Uncertain significance for Joubert syndrome 20; Meckel syndrome, type 11. Last evaluated: 2022-08-07. Review status: criteria provided, single submitter. Criteria: Invitae Variant Classification Sherloc (09022015). Collection method: clinical testing. Allele origin: germline.
Comment: This sequence change replaces serine, which is neutral and polar, with threonine, which is neutral and polar, at codon 328 of the TMEM231 protein (p.Ser328Thr). The frequency data for this variant in the population databases is considered unreliable, as metrics indicate poor data quality at this position in the gnomAD database. This variant has not been reported in the literature in individuals affected with TMEM231-related conditions. ClinVar contains an entry for this variant (Variation ID: 1514731). Algorithms developed to predict the effect of missense changes on protein structure and function are either unavailable or do not agree on the potential impact of this missense change (SIFT: "Deleterious"; PolyPhen-2: "Not Available"; Align-GVGD: "Class C0"). In summary, the available evidence is currently insufficient to determine the role of this variant in disease. Therefore, it has been classified as a Variant of Uncertain Significance.

NM_001077418.3(TMEM231):c.824G>C (p.Ser275Thr)

Gene: TMEM231 (transmembrane protein 231; minus strand). Cytogenetic location: 16q23.1.
Variant type: single nucleotide variant.
Coding change: c.824G>C on transcript NM_001077418.3 (MANE Select); coding-DNA position 824, G replaced by C.
Protein change: p.Ser275Thr; replaces serine 275 with threonine.
Molecular consequence: missense variant. On other transcripts: non-coding transcript variant (1).
Genome position (GRCh38, 1-based): chr16:75,540,121, C>G on the plus strand (G>C on the coding strand, the complement: TMEM231 is on the minus strand). VCF-style: chr16-75540121-C-G. GRCh37 (hg19) VCF-style: chr16-75574019-C-G.
Other names: c.983G>C, p.Ser328Thr (NM_001077416.2); c.911G>C (NM_001077416.1); short protein forms S328T, S275T.
Identifiers: ClinVar variation 1514731 (VCV001514731.9), dbSNP rs770469234, ClinGen allele CA8176011.
Genomic context (GRCh38, chr16:75,540,121, plus strand): 5'-TGATTCTGAAACACGAAGATCTTGATTCTTTCAAACACCCAGAGGAAGATAAGCAGGATG[C>G]TGACATACTGCACCCAGGCGAACTTTACCATCTCCCAGAATCCTGGCTGATAAGTATGGA-3'
Protein context (NP_001070886.1, residues 265-285): MVKFAWVQYV[Ser275Thr]ILLIFLWVFE